The following is an entry in ClinVar:

NM_005138.3(SCO2):c.553C>T (p.His185Tyr)

Genes: NCAPH2 (non-SMC condensin II complex subunit H2; plus strand), SCO2 (synthesis of cytochrome C oxidase 2; minus strand). Cytogenetic location: 22q13.33.
Variant type: single nucleotide variant.
Coding change: c.553C>T on transcript NM_005138.3 (MANE Select); coding-DNA position 553, C replaced by T.
Protein change: p.His185Tyr; replaces histidine 185 with tyrosine.
Molecular consequence: missense variant. On other transcripts: 3 prime UTR variant (2).
Genome position (GRCh38, 1-based): chr22:50,523,859, G>A on the plus strand (C>T on the coding strand, the complement: SCO2 is on the minus strand). VCF-style: chr22-50523859-G-A. GRCh37 (hg19) VCF-style: chr22-50962288-G-A.
Other names: c.*484G>A (NM_001185011.2, NM_152299.4); c.553C>T, p.His185Tyr (NM_001169109.2, NM_001169110.1, NM_001169111.2); short protein forms H185Y.
Identifiers: ClinVar variation 1382987 (VCV001382987.3), dbSNP rs1218148539, ClinGen allele CA412192212.

ClinVar aggregate classification (germline): Uncertain significance (1 of 4 stars; one submission).

Allele frequency attached by ClinVar (database versions not stated): gnomAD exomes below 0.00001.

Submission:

Labcorp Genetics (formerly Invitae), Labcorp
Classification: Uncertain significance. Last evaluated: 2021-09-10. Review status: criteria provided, single submitter. Criteria: Invitae Variant Classification Sherloc (09022015). Collection method: clinical testing. Allele origin: germline.
Comment: This sequence change replaces histidine with tyrosine at codon 185 of the SCO2 protein (p.His185Tyr). The histidine residue is moderately conserved and there is a moderate physicochemical difference between histidine and tyrosine. This variant is not present in population databases (ExAC no frequency). This variant has not been reported in the literature in individuals affected with SCO2-related conditions. Algorithms developed to predict the effect of missense changes on protein structure and function are either unavailable or do not agree on the potential impact of this missense change (SIFT: "Tolerated"; PolyPhen-2: "Probably Damaging"; Align-GVGD: "Class C0"). In summary, the available evidence is currently insufficient to determine the role of this variant in disease. Therefore, it has been classified as a Variant of Uncertain Significance.